The following is an entry in ClinVar:

ClinVar aggregate classification (germline): Uncertain significance. Review status: criteria provided, multiple submitters, no conflicts (2 of 4 stars). 3 submissions from 3 submitters: Uncertain significance (3). Last evaluated 2025-05-28.

Conditions:
Alstrom syndrome (ALMS). Identifiers: Orphanet 64, MedGen C0268425, MONDO:0008763, OMIM 203800.
Cardiovascular phenotype. Identifiers: MedGen CN230736.

Allele frequency attached by ClinVar (database versions not stated): gnomAD 0.00001; TOPMed 0.00002.
gnomAD v4.1: 1 of 1,613,866 alleles (0.000062%); highest among the groups gnomAD compares: African/African-American, 0.0013%; no homozygotes.

Submissions (3):

Ambry Genetics
Classification: Uncertain significance for Cardiovascular phenotype. Last evaluated: 2025-05-28. Review status: criteria provided, single submitter. Criteria: Ambry Variant Classification Scheme 2023. Collection method: clinical testing. Allele origin: germline.
Comment: The p.D187H variant (also known as c.559G>C), located in coding exon 3 of the ALMS1 gene, results from a G to C substitution at nucleotide position 559. The aspartic acid at codon 187 is replaced by histidine, an amino acid with similar properties. This amino acid position is well conserved in available vertebrate species. In addition, this alteration is predicted to be tolerated by in silico analysis. Based on the available evidence, the clinical significance of this variant remains unclear.

GeneDx
Classification: Uncertain significance. Last evaluated: 2024-12-31. Review status: criteria provided, single submitter. Criteria: GeneDx Variant Classification Process June 2021. Collection method: clinical testing. Allele origin: germline. Affected: yes.
Comment: Not observed at significant frequency in large population cohorts (gnomAD); In silico analysis supports that this missense variant has a deleterious effect on protein structure/function; Has not been previously published as pathogenic or benign to our knowledge

Labcorp Genetics (formerly Invitae), Labcorp
Classification: Uncertain significance for Alstrom syndrome. Last evaluated: 2022-07-26. Review status: criteria provided, single submitter. Criteria: Invitae Variant Classification Sherloc (09022015). Collection method: clinical testing. Allele origin: germline.
Comment: This sequence change replaces aspartic acid, which is acidic and polar, with histidine, which is basic and polar, at codon 187 of the ALMS1 protein (p.Asp187His). This variant is present in population databases (no rsID available, gnomAD 0.01%). This variant has not been reported in the literature in individuals affected with ALMS1-related conditions. ClinVar contains an entry for this variant (Variation ID: 855523). In summary, the available evidence is currently insufficient to determine the role of this variant in disease. Therefore, it has been classified as a Variant of Uncertain Significance.

NM_001378454.1(ALMS1):c.556G>C (p.Asp186His)

Gene: ALMS1 (ALMS1 centrosome and basal body associated protein; plus strand). Cytogenetic location: 2p13.1.
Variant type: single nucleotide variant.
Coding change: c.556G>C on transcript NM_001378454.1 (MANE Select); coding-DNA position 556, G replaced by C.
Protein change: p.Asp186His; replaces aspartic acid 186 with histidine.
Molecular consequence: missense variant.
Genome position (GRCh38, 1-based): chr2:73,419,228, G>C. VCF-style: chr2-73419228-G-C. GRCh37 (hg19) VCF-style: chr2-73646356-G-C.
Other names: c.559G>C, p.Asp187His (NM_015120.4); short protein forms D186H, D187H.
Identifiers: ClinVar variation 855523 (VCV000855523.10), dbSNP rs1044951470, ClinGen allele CA50362758.
Genomic context (GRCh38, chr2:73,419,228, plus strand): 5'-CAAACCTTGGATACATCCCAGACTAGGTTTAATGTGAGAACGGAAGATACTGAAGTGACA[G>C]ACTTCCCCTCTCTGGAGGAGGGCATATTGACGCAATCAGAAAATCAAGTAAAGGAACCCA-3'
Protein context (NP_001365383.1, residues 176-196): NVRTEDTEVT[Asp186His]FPSLEEGILT